The following is an entry in ClinVar:

ClinVar aggregate classification (germline): Pathogenic (1 of 4 stars; one submission).

Conditions:
Ataxia-telangiectasia syndrome (AT). Also called: Cerebello-oculocutaneous telangiectasia; Immunodeficiency with ataxia telangiectasia; LOUIS-BAR SYNDROME; AT, COMPLEMENTATION GROUP C; ATAXIA-TELANGIECTASIA, COMPLEMENTATION GROUP A; ATAXIA-TELANGIECTASIA, FRESNO VARIANT. Identifiers: Orphanet 100, MedGen C0004135, MONDO:0008840, OMIM 208900.

Submission:

Labcorp Genetics (formerly Invitae), Labcorp
Classification: Pathogenic for Ataxia-telangiectasia syndrome. Last evaluated: 2025-10-11. Review status: criteria provided, single submitter. Criteria: Invitae Variant Classification Sherloc (09022015). Collection method: clinical testing. Allele origin: germline.
Comment: This sequence change creates a premature translational stop signal (p.Ile149Leufs*2) in the ATM gene. It is expected to result in an absent or disrupted protein product. Loss-of-function variants in ATM are known to be pathogenic (PMID: 23807571, 25614872). This variant is not present in population databases (gnomAD no frequency). This variant has not been reported in the literature in individuals affected with ATM-related conditions. ClinVar contains an entry for this variant (Variation ID: 939804). For these reasons, this variant has been classified as Pathogenic.

Literature cited by the submitters: PubMed 23807571; PubMed 25614872.

NM_000051.4(ATM):c.444_450del (p.Ile149fs)

Gene: ATM (ATM serine/threonine kinase; plus strand). Cytogenetic location: 11q22.3.
Variant type: Deletion.
Coding change: c.444_450del on transcript NM_000051.4 (MANE Select); coding-DNA positions 444 to 450, 7 bases deleted (CATTCTT; older notation c.444_450delCATTCTT).
Protein change: p.Ile149fs; shifts the reading frame from isoleucine 149.
Molecular consequence: frameshift variant.
Genome position (GRCh38, 1-based): chr11:108,235,782-108,235,788, CATTCTT deleted. VCF-style (leftmost placement, unchanged base first): chr11-108235781-ACATTCTT-A. GRCh37 (hg19) VCF-style: chr11-108106508-ACATTCTT-A.
Other names: c.444_450del, p.Ile149fs (NM_001351834.2); short protein forms I149fs.
Identifiers: ClinVar variation 939804 (VCV000939804.7), dbSNP rs2079244120, ClinGen allele CA1139662258.